The following is an entry in ClinVar:

ClinVar aggregate classification (germline): Uncertain significance (1 of 4 stars; one submission).

Conditions:
Neuronal ceroid lipofuscinosis. Also called: Neuronal Ceroid Lipofuscinoses. Identifiers: Orphanet 216, Orphanet 79263, MedGen C0027877, MONDO:0016295. Disease mechanism: loss of function.

Allele frequency attached by ClinVar (database versions not stated): gnomAD exomes below 0.00001; ExAC 0.00001; TOPMed 0.00001; gnomAD 0.00002 and 0.00003; 1000 Genomes Project 30x 0.00016; 1000 Genomes Project 0.00020.
gnomAD v4.1: 7 of 1,612,748 alleles (0.00043%); highest among the groups gnomAD compares: African/African-American, 0.008%; no homozygotes.

Submission:

Labcorp Genetics (formerly Invitae), Labcorp
Classification: Uncertain significance for Neuronal ceroid lipofuscinosis. Last evaluated: 2021-08-28. Review status: criteria provided, single submitter. Criteria: Invitae Variant Classification Sherloc (09022015). Collection method: clinical testing. Allele origin: germline.
Comment: This sequence change replaces histidine with tyrosine at codon 347 of the CLN5 protein (p.His347Tyr). The histidine residue is moderately conserved and there is a moderate physicochemical difference between histidine and tyrosine. This variant is present in population databases (rs557876713, ExAC 0.01%). This variant has not been reported in the literature in individuals affected with CLN5-related conditions. Algorithms developed to predict the effect of missense changes on protein structure and function output the following: SIFT: "Tolerated"; PolyPhen-2: "Benign"; Align-GVGD: "Class C0". The tyrosine amino acid residue is found in multiple mammalian species, which suggests that this missense change does not adversely affect protein function. In summary, the available evidence is currently insufficient to determine the role of this variant in disease. Therefore, it has been classified as a Variant of Uncertain Significance.

NM_006493.4(CLN5):c.892C>T (p.His298Tyr)

Gene: CLN5 (CLN5 lysosomal BMP synthase; plus strand). Cytogenetic location: 13q22.3.
Variant type: single nucleotide variant.
Coding change: c.892C>T on transcript NM_006493.4 (MANE Select); coding-DNA position 892, C replaced by T.
Protein change: p.His298Tyr; replaces histidine 298 with tyrosine.
Molecular consequence: missense variant. On other transcripts: 3 prime UTR variant (1).
Genome position (GRCh38, 1-based): chr13:77,000,784, C>T. VCF-style: chr13-77000784-C-T. GRCh37 (hg19) VCF-style: chr13-77574919-C-T.
Other names: c.*341C>T (NM_001366624.2); short protein forms H298Y.
Identifiers: ClinVar variation 1424841 (VCV001424841.5), dbSNP rs557876713, ClinGen allele CA7007270.